The following is an entry in ClinVar:

NM_001346810.2(DLGAP2):c.2202+9C>T

Gene: DLGAP2 (DLG associated protein 2; plus strand). Cytogenetic location: 8p23.3.
Variant type: single nucleotide variant.
Coding change: c.2202+9C>T on transcript NM_001346810.2 (MANE Select); 9 bases into the intron after coding-DNA position 2202, C replaced by T.
Molecular consequence: intron variant.
Genome position (GRCh38, 1-based): chr8:1,669,793, C>T. VCF-style: chr8-1669793-C-T. GRCh37 (hg19) VCF-style: chr8-1617959-C-T.
Identifiers: ClinVar variation 3058254 (VCV003058254.2), dbSNP rs754192203, ClinGen allele CA4598770.
Genomic context (GRCh38, chr8:1,669,793, plus strand): 5'-TTTTGTTTAGGATTCTGAATTCCCAGAGCATCAGCCATACCCAAGGTCAGATGTAAGTAC[C>T]GAAATGTGCTCCAAAGCCGCGTCCGCATGACTTTCATTTTCTCTCCCTTTTTTGGATGTT-3'

ClinVar aggregate classification (germline): Likely benign (0 of 4 stars; one submission).

Conditions:
DLGAP2-related disorder. Also called: DLGAP2-related condition.

Allele frequency attached by ClinVar (database versions not stated): ExAC 0.00002; TOPMed 0.00002; gnomAD 0.00005.
gnomAD v4.1: 20 of 780,778 alleles (0.0026%); highest among the groups gnomAD compares: African/African-American, 0.0051%; no homozygotes.

Submission:

PreventionGenetics, part of Exact Sciences
Classification: Likely benign for DLGAP2-related condition. Last evaluated: 2019-03-28. Review status: no assertion criteria provided. Collection method: clinical testing. Allele origin: germline.
Comment: This variant is classified as likely benign based on ACMG/AMP sequence variant interpretation guidelines (Richards et al. 2015 PMID: 25741868, with internal and published modifications).